The following is an entry in ClinVar:

ClinVar aggregate classification (germline): Uncertain significance (1 of 4 stars; one submission).

Conditions:
Familial cold autoinflammatory syndrome 2 (FCAS2). Identifiers: Orphanet 247868, MedGen C2673198, MONDO:0012724, OMIM 611762.

Submission:

Labcorp Genetics (formerly Invitae), Labcorp
Classification: Uncertain significance for Familial cold autoinflammatory syndrome 2. Last evaluated: 2026-01-21. Review status: criteria provided, single submitter. Criteria: Invitae Variant Classification Sherloc (09022015). Collection method: clinical testing. Allele origin: germline.
Comment: This sequence change replaces leucine, which is neutral and non-polar, with histidine, which is basic and polar, at codon 113 of the NLRP12 protein (p.Leu113His). This variant is not present in population databases (gnomAD no frequency). This variant has not been reported in the literature in individuals affected with NLRP12-related conditions. An algorithm developed to predict the effect of missense changes on protein structure and function (PolyPhen-2) suggests that this variant is likely to be disruptive. In summary, the available evidence is currently insufficient to determine the role of this variant in disease. Therefore, it has been classified as a Variant of Uncertain Significance.

NM_144687.4(NLRP12):c.338T>A (p.Leu113His)

Gene: NLRP12 (NLR family pyrin domain containing 12; minus strand). Cytogenetic location: 19q13.42.
Variant type: single nucleotide variant.
Coding change: c.338T>A on transcript NM_144687.4 (MANE Select); coding-DNA position 338, T replaced by A.
Protein change: p.Leu113His; replaces leucine 113 with histidine.
Molecular consequence: missense variant.
Genome position (GRCh38, 1-based): chr19:53,814,940, A>T on the plus strand (T>A on the coding strand, the complement: NLRP12 is on the minus strand). VCF-style: chr19-53814940-A-T. GRCh37 (hg19) VCF-style: chr19-54318194-A-T.
Other names: c.338T>A, p.Leu113His (NM_001277126.2, NM_001277129.1); short protein forms L113H.
Identifiers: ClinVar variation 4780777 (VCV004780777.1).